The following is an entry in ClinVar:

NM_000260.4(MYO7A):c.2555C>A (p.Ala852Asp)

Gene: MYO7A (myosin VIIA; plus strand). Cytogenetic location: 11q13.5.
Variant type: single nucleotide variant.
Coding change: c.2555C>A on transcript NM_000260.4 (MANE Select); coding-DNA position 2555, C replaced by A.
Protein change: p.Ala852Asp; replaces alanine 852 with aspartic acid.
Molecular consequence: missense variant.
Genome position (GRCh38, 1-based): chr11:77,179,922, C>A. VCF-style: chr11-77179922-C-A. GRCh37 (hg19) VCF-style: chr11-76890968-C-A.
Other names: c.2555C>A, p.Ala852Asp (NM_001127180.2); c.2522C>A, p.Ala841Asp (NM_001369365.1); short protein forms A852D, A841D.
Identifiers: ClinVar variation 2844080 (VCV002844080.3), dbSNP rs2497178372, ClinGen allele CA381942000.

ClinVar aggregate classification (germline): Uncertain significance (1 of 4 stars; one submission).

Submission:

Labcorp Genetics (formerly Invitae), Labcorp
Classification: Uncertain significance. Last evaluated: 2024-11-17. Review status: criteria provided, single submitter. Criteria: Invitae Variant Classification Sherloc (09022015). Collection method: clinical testing. Allele origin: germline.
Comment: This sequence change replaces alanine, which is neutral and non-polar, with aspartic acid, which is acidic and polar, at codon 852 of the MYO7A protein (p.Ala852Asp). This variant is not present in population databases (gnomAD no frequency). This variant has not been reported in the literature in individuals affected with MYO7A-related conditions. ClinVar contains an entry for this variant (Variation ID: 2844080). Invitae Evidence Modeling of protein sequence and biophysical properties (such as structural, functional, and spatial information, amino acid conservation, physicochemical variation, residue mobility, and thermodynamic stability) has been performed for this missense variant. However, the output from this modeling did not meet the statistical confidence thresholds required to predict the impact of this variant on MYO7A protein function. In summary, the available evidence is currently insufficient to determine the role of this variant in disease. Therefore, it has been classified as a Variant of Uncertain Significance.